The following is an entry in ClinVar:

NM_153717.3(EVC):c.2653G>A (p.Asp885Asn)

Gene: EVC (EvC ciliary complex subunit 1; plus strand). Cytogenetic location: 4p16.2.
Variant type: single nucleotide variant.
Coding change: c.2653G>A on transcript NM_153717.3 (MANE Select); coding-DNA position 2653, G replaced by A.
Protein change: p.Asp885Asn; replaces aspartic acid 885 with asparagine.
Molecular consequence: missense variant.
Genome position (GRCh38, 1-based): chr4:5,808,292, G>A. VCF-style: chr4-5808292-G-A. GRCh37 (hg19) VCF-style: chr4-5810019-G-A.
Other names: c.2653G>A, p.Asp885Asn (NM_001306090.2); short protein forms D885N.
Identifiers: ClinVar variation 990328 (VCV000990328.2), dbSNP rs1241844907, ClinGen allele CA356151078.
Genomic context (GRCh38, chr4:5,808,292, plus strand): 5'-CAGTTCCCAGTGCACCAGCAGATGCGTCTGCACGCCCAGCAGCAGCAGGCAGGAGTCATG[G>A]ACCTTCTGGAAGCCCAGCTGGAGACCCAGCTACAGGTACAAGTTACAGAACTGGACCTTC-3'
Protein context (NP_714928.1, residues 875-895): HAQQQQAGVM[Asp885Asn]LLEAQLETQL

ClinVar aggregate classification (germline): Uncertain significance. Review status: criteria provided, single submitter (1 of 4 stars). 2 submissions from 2 submitters: Uncertain significance (1). 1 of the submissions does not count toward it. Last evaluated 2024-06-24.

Conditions:
Ellis-van Creveld syndrome (EVC). Also called: EVC-Related Ellis-van Creveld Syndrome; EVC2-Related Ellis-van Creveld Syndrome; Chondroectodermal dysplasia; MESOECTODERMAL DYSPLASIA. Identifiers: Orphanet 289, MedGen C0013903, MONDO:0009162, OMIM 225500.

Allele frequency attached by ClinVar (database versions not stated): gnomAD exomes below 0.00001 and 0.00001.
gnomAD v4.1: 8 of 1,614,184 alleles (0.0005%); highest among the groups gnomAD compares: South Asian, 0.0066%; no homozygotes.

Submissions (2):

Women's Health and Genetics/Laboratory Corporation of America, LabCorp
Classification: Uncertain significance. Last evaluated: 2024-06-24. Review status: criteria provided, single submitter. Criteria: LabCorp Variant Classification Summary - May 2015. Collection method: clinical testing. Allele origin: germline.
Comment: Variant summary: EVC c.2653G>A (p.Asp885Asn) results in a conservative amino acid change in the encoded protein sequence. Three of five in-silico tools predict a benign effect of the variant on protein function. The variant allele was found at a frequency of 4e-06 in 251260 control chromosomes. The available data on variant occurrences in the general population are insufficient to allow any conclusion about variant significance. To our knowledge, no occurrence of c.2653G>A in individuals affected with Ellis-van Creveld syndrome and no experimental evidence demonstrating its impact on protein function have been reported. ClinVar contains an entry for this variant (Variation ID: 990328). Based on the evidence outlined above, the variant was classified as uncertain significance.

Natera, Inc.
Classification: Uncertain significance for Ellis-van Creveld syndrome. Last evaluated: 2020-08-13. Review status: no assertion criteria provided. Collection method: clinical testing. Allele origin: germline. Not counted in ClinVar's aggregate classification.